The following is an entry in ClinVar:

NM_000037.4(ANK1):c.*774A>G

Gene: ANK1 (ankyrin 1; minus strand). Cytogenetic location: 8p11.21.
Variant type: single nucleotide variant.
Coding change: c.*774A>G on transcript NM_000037.4 (MANE Select); 774 bases downstream of the stop codon, A replaced by G.
Molecular consequence: 3 prime UTR variant.
Genome position (GRCh38, 1-based): chr8:41,655,016, T>C on the plus strand (A>G on the coding strand, the complement: ANK1 is on the minus strand). VCF-style: chr8-41655016-T-C. GRCh37 (hg19) VCF-style: chr8-41512535-T-C.
Other names: NC_000008.10:g.41512535T>C; c.*711A>G (NM_001142445.2, NM_001142446.2, NM_020475.3 and 3 more transcripts); c.*774A>G (NM_020478.5).
Identifiers: ClinVar variation 362969 (VCV000362969.6), dbSNP rs142696529, ClinGen allele CA10625414.
Genomic context (GRCh38, chr8:41,655,016, plus strand): 5'-CACAAGGAACCCCGAATGCACTCTTCAAGGTAATGATTTTCCATTGGAAGATGATTCGTA[T>C]TGAAATTGGCAGAGAGAGAGACAACATAAAAAATTCCAATTTATCCACAGCAGAGTCTAT-3'

ClinVar aggregate classification (germline): Conflicting classifications of pathogenicity. Review status: criteria provided, conflicting classifications (1 of 4 stars). 2 submissions from 1 submitter: Uncertain significance (1); Benign (1). Last evaluated 2018-01-12.

Conditions:
Hereditary spherocytosis type 1. Also called: Spherocytosis type 1; ANK1-Related Spherocytosis. Identifiers: Orphanet 822, MedGen C2674218, MONDO:0008447, OMIM 182900.
Spherocytosis. Identifiers: MedGen C0553720, HP:0004444.

Allele frequency attached by ClinVar (database versions not stated): gnomAD 0.00611 and 0.00636; TOPMed 0.00700; 1000 Genomes Project 0.00958; 1000 Genomes Project 30x 0.01015.

Submissions (5):

Illumina Laboratory Services, Illumina
Classification: Benign for Hereditary spherocytosis type 1. Last evaluated: 2018-01-12. Review status: criteria provided, single submitter. Criteria: ICSL Variant Classification Criteria 13 December 2019. Collection method: clinical testing. Allele origin: germline.
Comment: This variant was observed in the ICSL laboratory as part of a predisposition screen in an ostensibly healthy population. It had not been previously curated by ICSL or reported in the Human Gene Mutation Database (HGMD: prior to June 1st, 2018), and was therefore a candidate for classification through an automated scoring system. Utilizing variant allele frequency, disease prevalence and penetrance estimates, and inheritance mode, an automated score was calculated to assess if this variant is too frequent to cause the disease. Based on the score and internal cut-off values, a variant classified as benign is not then subjected to further curation. The score for this variant resulted in a classification of benign for this disease.

Illumina Laboratory Services, Illumina
Classification: Uncertain significance for Spherocytosis. Last evaluated: 2018-01-12. Review status: criteria provided, single submitter. Criteria: ICSL Variant Classification Criteria 13 December 2019. Collection method: clinical testing. Allele origin: germline.

Dr. Peter K. Rogan Lab, Western University
No classification provided (evidence only). Condition: Familial cancer of breast. Review status: no classification provided. Collection method: in vitro. Allele origin: not applicable. Functional consequence: retained intron. Not counted in ClinVar's aggregate classification.

Dr. Peter K. Rogan Lab, Western University
No classification provided (evidence only). Condition: Cervical cancer. Review status: no classification provided. Collection method: in vitro. Allele origin: not applicable. Functional consequence: retained intron. Not counted in ClinVar's aggregate classification.

Dr. Peter K. Rogan Lab, Western University
No classification provided (evidence only). Condition: Ovarian serous cystadenocarcinoma. Review status: no classification provided. Collection method: in vitro. Allele origin: not applicable. Functional consequence: retained intron. Not counted in ClinVar's aggregate classification.